The following is an entry in ClinVar:

NM_001110556.2(FLNA):c.3181G>A (p.Ala1061Thr)

Gene: FLNA (filamin A; minus strand). Cytogenetic location: Xq28.
Variant type: single nucleotide variant.
Coding change: c.3181G>A on transcript NM_001110556.2 (MANE Select); coding-DNA position 3181, G replaced by A.
Protein change: p.Ala1061Thr; replaces alanine 1061 with threonine.
Molecular consequence: missense variant.
Genome position (GRCh38, 1-based): chrX:154,361,334, C>T on the plus strand (G>A on the coding strand, the complement: FLNA is on the minus strand). VCF-style: chrX-154361334-C-T. GRCh37 (hg19) VCF-style: chrX-153589702-C-T.
Other names: c.3181G>A, p.Ala1061Thr (NM_001456.4); c.3181G>A (NM_001456.3); short protein forms A1061T.
Identifiers: ClinVar variation 3761249 (VCV003761249.4).
Genomic context (GRCh38, chrX:154,361,334, plus strand): 5'-GTTCTACCCTTAGGGCCTCCCATACCCCAATTACCTTGCTAGGCTTGGTGGGGGCCACAG[C>T]TTCCAGAGGAAAGGGGCTGCCAGGCACGGGCACGCCGTCATAGGTCACCTCCACCTCATA-3'
Protein context (NP_001104026.1, residues 1051-1071): PVPGSPFPLE[Ala1061Thr]VAPTKPSKVK

ClinVar aggregate classification (germline): Uncertain significance. Review status: criteria provided, multiple submitters, no conflicts (2 of 4 stars). 3 submissions from 3 submitters: Uncertain significance (3). Last evaluated 2025-12-05.

Conditions:
Familial thoracic aortic aneurysm and aortic dissection (TAAD). Also called: Thoracic aortic aneurysms and dissections. Identifiers: Orphanet 91387, MedGen C4707243, MONDO:0019625.
Melnick-Needles syndrome (MNS). Also called: MELNICK-NEEDLES OSTEODYSPLASTY; OSTEODYSPLASTY OF MELNICK AND NEEDLES; Melnick-Needles Syndrome (FLNA-MNS). Identifiers: Orphanet 2484, MedGen C0025237, MONDO:0010650, OMIM 309350.
Frontometaphyseal dysplasia (FMD1). Identifiers: Orphanet 1826, MedGen C0265293, MONDO:0015942.
Heterotopia, periventricular, X-linked dominant (PVNH1). Also called: PERIVENTRICULAR NODULAR HETEROTOPIA 1; X-linked periventricular heterotopia; PERIVENTRICULAR NODULAR HETEROTOPIA 4; HETEROTOPIA, PERIVENTRICULAR, 1. Identifiers: Orphanet 2149, Orphanet 82004, MedGen C1848213, MONDO:0010233, OMIM 300049.
Oto-palato-digital syndrome, type II (OPD2). Also called: FACIOPALATOOSSEOUS SYNDROME; OPD II SYNDROME; Otopalatodigital Syndrome, Type II; Otopalatodigital Syndrome Type 2 (FLNA-OPD2). Identifiers: Orphanet 669, Orphanet 90652, MedGen C1844696, MONDO:0010571, OMIM 304120.

Submissions (3):

Ambry Genetics
Classification: Uncertain significance for Familial thoracic aortic aneurysm and aortic dissection. Last evaluated: 2025-12-05. Review status: criteria provided, single submitter. Criteria: Ambry Variant Classification Scheme 2023. Collection method: clinical testing. Allele origin: germline.

GeneDx
Classification: Uncertain significance. Last evaluated: 2024-10-28. Review status: criteria provided, single submitter. Criteria: GeneDx Variant Classification Process June 2021. Collection method: clinical testing. Allele origin: germline. Affected: yes.
Comment: Not observed at significant frequency in large population cohorts (gnomAD); In silico analysis supports that this missense variant has a deleterious effect on protein structure/function; Has not been previously published as pathogenic or benign to our knowledge

Labcorp Genetics (formerly Invitae), Labcorp
Classification: Uncertain significance for Oto-palato-digital syndrome, type II; Heterotopia, periventricular, X-linked dominant; Frontometaphyseal dysplasia; Melnick-Needles syndrome. Last evaluated: 2024-04-25. Review status: criteria provided, single submitter. Criteria: Invitae Variant Classification Sherloc (09022015). Collection method: clinical testing. Allele origin: germline.
Comment: This sequence change replaces alanine, which is neutral and non-polar, with threonine, which is neutral and polar, at codon 1061 of the FLNA protein (p.Ala1061Thr). This variant is not present in population databases (gnomAD no frequency). This variant has not been reported in the literature in individuals affected with FLNA-related conditions. Advanced modeling of protein sequence and biophysical properties (such as structural, functional, and spatial information, amino acid conservation, physicochemical variation, residue mobility, and thermodynamic stability) performed at Invitae indicates that this missense variant is not expected to disrupt FLNA protein function with a negative predictive value of 95%. In summary, the available evidence is currently insufficient to determine the role of this variant in disease. Therefore, it has been classified as a Variant of Uncertain Significance.